The following is an entry in ClinVar:

ClinVar aggregate classification (germline): Uncertain significance (1 of 4 stars; one submission).

Submission:

GeneDx
Classification: Uncertain significance. Last evaluated: 2024-07-12. Review status: criteria provided, single submitter. Criteria: GeneDx Variant Classification Process June 2021. Collection method: clinical testing. Allele origin: germline. Affected: yes.
Comment: Not observed at significant frequency in large population cohorts (gnomAD); In silico analysis supports that this missense variant has a deleterious effect on protein structure/function; Has not been previously published as pathogenic or benign to our knowledge

NM_001256012.3(MYH10):c.4031T>C (p.Leu1344Pro)

Gene: MYH10 (myosin heavy chain 10; minus strand). Cytogenetic location: 17p13.1.
Variant type: single nucleotide variant.
Coding change: c.4031T>C on transcript NM_001256012.3 (MANE Select); coding-DNA position 4031, T replaced by C.
Protein change: p.Leu1344Pro; replaces leucine 1344 with proline.
Molecular consequence: missense variant.
Genome position (GRCh38, 1-based): chr17:8,495,162, A>G on the plus strand (T>C on the coding strand, the complement: MYH10 is on the minus strand). VCF-style: chr17-8495162-A-G. GRCh37 (hg19) VCF-style: chr17-8398480-A-G.
Other names: c.3965T>C, p.Leu1322Pro (NM_001256095.2); c.3968T>C, p.Leu1323Pro (NM_001375266.1); c.3938T>C, p.Leu1313Pro (NM_005964.5); short protein forms L1313P, L1322P, L1344P, L1323P.
Identifiers: ClinVar variation 3572833 (VCV003572833.1).